The following is an entry in ClinVar:

NM_000154.2(GALK1):c.835del (p.Arg279fs)

Gene: GALK1 (galactokinase 1; minus strand). Cytogenetic location: 17q25.1.
Variant type: Deletion.
Coding change: c.835del on transcript NM_000154.2 (MANE Select); coding-DNA position 835, one base deleted (C; older notation c.835delC).
Protein change: p.Arg279fs; shifts the reading frame from arginine 279.
Molecular consequence: frameshift variant.
Genome position (GRCh38, 1-based): chr17:75,758,558, G deleted on the plus strand (C on the coding strand, the reverse complement: GALK1 is on the minus strand); the first of 3 consecutive G bases (chr17:75,758,558-75,758,560); deleting any one gives the same sequence. VCF-style (leftmost placement, unchanged base first): chr17-75758557-CG-C. GRCh37 (hg19) VCF-style: chr17-73754638-CG-C.
Other names: c.835del, p.Arg279fs (NM_001381985.1); short protein forms R279fs.
Identifiers: ClinVar variation 4068253 (VCV004068253.2).
Genomic context (GRCh38, chr17:75,758,557, plus strand): 5'-TCGCCACGTCTCAGGGCGGCCGCTGCCTGGGCCGTGCGCCGAATCTCCCCCACCACGTGC[CG>C]GGCCCGCCGGAAGCCCTCTTTGCTCACCAGGTCCCTGGCAGCTGGGGAGGAAAGAGGAGT-3'

ClinVar aggregate classification (germline): Likely pathogenic (1 of 4 stars; one submission).

Conditions:
Deficiency of galactokinase. Also called: GALACTOSEMIA II; Galactokinase deficiency with cataracts. Identifiers: Orphanet 352, Orphanet 79237, MedGen C0268155, MONDO:0009255, OMIM 230200.

Submission:

Natera, Inc.
Classification: Likely pathogenic for Deficiency of galactokinase. Last evaluated: 2025-02-18. Review status: criteria provided, single submitter. Criteria: Natera Variant Classification Schema (03/2026). Collection method: clinical testing. Allele origin: germline.
Comment: The c.835del variant in GALK1 is a frameshift variant predicted to shift the reading frame beginning at codon 279 and leads to a stop codon 17 codons downstream. This variant is expected to result in nonsense mediated decay, truncation, or a dysfunctional protein product. This variant is rare in the general population with a frequency below the threshold expected for the associated phenotype(s). Given the available evidence, this variant is classified as Likely Pathogenic.